The following is an entry in ClinVar:

ClinVar aggregate classification (germline): Uncertain significance (1 of 4 stars; one submission).

Conditions:
Pseudohypoaldosteronism, type IB1, autosomal recessive. Also called: Pseudohypoaldosteronism, Type I, Recessive; Autosomal recessive pseudohypoaldosteronism type 1; Pseudohypoaldosteronism, Type I, Autosomal Recessive; PHA I, AUTOSOMAL RECESSIVE. Identifiers: Orphanet 171876, Orphanet 756, MedGen C5774176, MONDO:0009917, OMIM 264350.

Allele frequency attached by ClinVar (database versions not stated): gnomAD exomes below 0.00001; TOPMed 0.00001.

Submission:

Johns Hopkins Genomics, Johns Hopkins University
Classification: Uncertain significance for Pseudohypoaldosteronism, type IB1, autosomal recessive. Last evaluated: 2019-10-21. Review status: criteria provided, single submitter. Criteria: ACMG Guidelines, 2015. Collection method: clinical testing. Allele origin: germline.
Comment: SCNN1G c.1177-7C>T has not been reported in ClinVar nor the literature, to our knowledge. This SCNN1G variant (rs1488754125) is rare (<0.1%) in a large population dataset (gnomAD: 1/251356 total alleles; 0.0003978%; no homozygotes). Bioinformatic analysis predicts that this intronic variant would not affect normal exon 8 splicing although this has not been confirmed experimentally to our knowledge. Due to lack of segregation information and functional data, we consider the clinical significance of c.1177-7C>T to be uncertain at this time.

NM_001039.4(SCNN1G):c.1177-7C>T

Gene: SCNN1G (sodium channel epithelial 1 subunit gamma; plus strand). Cytogenetic location: 16p12.2.
Variant type: single nucleotide variant.
Coding change: c.1177-7C>T on transcript NM_001039.4 (MANE Select); 7 bases into the intron before coding-DNA position 1177, C replaced by T.
Molecular consequence: intron variant.
Genome position (GRCh38, 1-based): chr16:23,212,027, C>T. VCF-style: chr16-23212027-C-T. GRCh37 (hg19) VCF-style: chr16-23223348-C-T.
Identifiers: ClinVar variation 816650 (VCV000816650.1), dbSNP rs1488754125, ClinGen allele CA621322820.
Genomic context (GRCh38, chr16:23,212,027, plus strand): 5'-TGTGCAGGAAACTCCCTGACATCCCTGAGCAAAGACATGAATGGCATTCCTGGGTCTCCT[C>T]TTTCAGATCTGCCTTCATTCATGCTTCCAGACAAAGATGGTGGAGAAATGTGGGTGTGCC-3'